The following is an entry in ClinVar:

ClinVar aggregate classification (germline): Benign (0 of 4 stars; one submission).

Conditions:
FUS-related disorder. Also called: FUS-related condition.

Submission:

PreventionGenetics, part of Exact Sciences
Classification: Benign for FUS-related condition. Last evaluated: 2019-06-06. Review status: no assertion criteria provided. Collection method: clinical testing. Allele origin: germline.
Comment: This variant is classified as benign based on ACMG/AMP sequence variant interpretation guidelines (Richards et al. 2015 PMID: 25741868, with internal and published modifications).

NM_004960.4(FUS):c.1542-6_1542-5dup

Gene: FUS (FUS RNA binding protein; plus strand). Cytogenetic location: 16p11.2.
Variant type: Duplication.
Coding change: c.1542-6_1542-5dup on transcript NM_004960.4 (MANE Select); 6 bases into the intron before coding-DNA position 1542 through 5 bases into the intron before coding-DNA position 1542, 2 bases duplicated (TT; older notation c.1542-6_1542-5dupTT).
Molecular consequence: intron variant.
Genome position (GRCh38, 1-based): chr16:31,191,393-31,191,394, TT duplicated; duplicating any 2 consecutive bases within chr16:31,191,378-31,191,394 gives the same sequence; the c. name uses the placement nearest the transcript's 3' end. VCF-style (leftmost placement, unchanged base first): chr16-31191377-A-ATT. GRCh37 (hg19) VCF-style: chr16-31202698-A-ATT.
Other names: c.1530-6_1530-5dup (NM_001170937.1); c.1539-6_1539-5dup (NM_001170634.1).
Identifiers: ClinVar variation 3044107 (VCV003044107.2), dbSNP rs371057360, ClinGen allele CA8024109.
Genomic context (GRCh38, chr16:31,191,377, plus strand): 5'-AGGGGCAGATAGGATATCTAGGCTTGGAGAGGCTGGTAACTCAAATATAATGGATACTTA[A>ATT]TTTTTTTTTTTTTTTTTGCAGGGGTGAGCACAGACAGGATCGCAGGGAGAGGCCGTATTA-3'